The following is an entry in ClinVar:

NM_019888.3(MC3R):c.365C>T (p.Ser122Phe)

Gene: MC3R (melanocortin 3 receptor; plus strand). Cytogenetic location: 20q13.2.
Variant type: single nucleotide variant.
Coding change: c.365C>T on transcript NM_019888.3 (MANE Select); coding-DNA position 365, C replaced by T.
Protein change: p.Ser122Phe; replaces serine 122 with phenylalanine.
Molecular consequence: missense variant.
Genome position (GRCh38, 1-based): chr20:56,249,208, C>T. VCF-style: chr20-56249208-C-T. GRCh37 (hg19) VCF-style: chr20-54824264-C-T.
Other names: short protein forms S122F.
Identifiers: ClinVar variation 5001698 (VCV005001698.1).

ClinVar aggregate classification (germline): Uncertain significance (1 of 4 stars; one submission).

Conditions:
MC3R-related disorder. Also called: MC3R-related condition.

Submission:

PreventionGenetics, part of Exact Sciences
Classification: Uncertain significance for MC3R-related condition. Last evaluated: 2025-04-18. Review status: criteria provided, single submitter. Criteria: ACMG Guidelines, 2015. Collection method: clinical testing. Allele origin: germline.
Comment: The MC3R c.365C>T variant is predicted to result in the amino acid substitution p.Ser122Phe. To our knowledge, this variant has not been reported in the literature or in a large population database (gnomAD), indicating this variant is rare. At this time, the clinical significance of this variant is uncertain due to the absence of conclusive functional and genetic evidence.